The following is an entry in ClinVar:

NM_018834.6(MATR3):c.329A>C (p.Asn110Thr)

Gene: MATR3 (matrin 3; plus strand). Cytogenetic location: 5q31.2.
Variant type: single nucleotide variant.
Coding change: c.329A>C on transcript NM_018834.6 (MANE Select); coding-DNA position 329, A replaced by C.
Protein change: p.Asn110Thr; replaces asparagine 110 with threonine.
Molecular consequence: missense variant. On other transcripts: intron variant (2).
Genome position (GRCh38, 1-based): chr5:139,307,744, A>C. VCF-style: chr5-139307744-A-C. GRCh37 (hg19) VCF-style: chr5-138643433-A-C.
Other names: c.329A>C, p.Asn110Thr (NM_001194954.2, NM_001194955.2, NM_199189.3); c.-102-6931A>C (NM_001282278.2); c.49-6931A>C (NM_001194956.2); short protein forms N110T.
Identifiers: ClinVar variation 432705 (VCV000432705.7), dbSNP rs1433371817, ClinGen allele CA361487018.

ClinVar aggregate classification (germline): Uncertain significance. Review status: criteria provided, multiple submitters, no conflicts (2 of 4 stars). 2 submissions from 2 submitters: Uncertain significance (2). Last evaluated 2025-04-09.

Conditions:
Amyotrophic lateral sclerosis type 21. Also called: VOCAL CORD AND PHARYNGEAL DYSFUNCTION WITH DISTAL MYOPATHY; MYOPATHY, DISTAL, 2. Identifiers: Orphanet 600, Orphanet 803, MedGen C3807521, MONDO:0011632, OMIM 606070.

Allele frequency attached by ClinVar (database versions not stated): gnomAD exomes below 0.00001; gnomAD 0.00001; TOPMed 0.00001.
gnomAD v4.1: 2 of 1,614,032 alleles (0.00012%); highest among the groups gnomAD compares: African/African-American, 0.0027%; no homozygotes.

Submissions (2):

Labcorp Genetics (formerly Invitae), Labcorp
Classification: Uncertain significance for Amyotrophic lateral sclerosis type 21. Last evaluated: 2025-04-09. Review status: criteria provided, single submitter. Criteria: Invitae Variant Classification Sherloc (09022015). Collection method: clinical testing. Allele origin: germline.
Comment: This sequence change replaces asparagine, which is neutral and polar, with threonine, which is neutral and polar, at codon 110 of the MATR3 protein (p.Asn110Thr). This variant is not present in population databases (gnomAD no frequency). This variant has not been reported in the literature in individuals affected with MATR3-related conditions. ClinVar contains an entry for this variant (Variation ID: 432705). Invitae Evidence Modeling of protein sequence and biophysical properties (such as structural, functional, and spatial information, amino acid conservation, physicochemical variation, residue mobility, and thermodynamic stability) has been performed for this missense variant. However, the output from this modeling did not meet the statistical confidence thresholds required to predict the impact of this variant on MATR3 protein function. In summary, the available evidence is currently insufficient to determine the role of this variant in disease. Therefore, it has been classified as a Variant of Uncertain Significance.

GeneDx
Classification: Uncertain significance. Last evaluated: 2019-06-26. Review status: criteria provided, single submitter. Criteria: GeneDx Variant Classification Process June 2021. Collection method: clinical testing. Allele origin: germline. Affected: yes.
Comment: Not observed in large population cohorts (Lek et al., 2016); In silico analysis, which includes protein predictors and evolutionary conservation, supports that this variant does not alter protein structure/function; Has not been previously published as pathogenic or benign to our knowledge